The following is an entry in ClinVar:

NM_004046.6(ATP5F1A):c.417C>T (p.Asp139=)

Gene: ATP5F1A (ATP synthase F1 subunit alpha; minus strand). Cytogenetic location: 18q21.1.
Variant type: single nucleotide variant.
Coding change: c.417C>T on transcript NM_004046.6 (MANE Select); coding-DNA position 417, C replaced by T.
Protein change: p.Asp139=; no amino-acid change (aspartic acid 139 retained).
Molecular consequence: synonymous variant.
Genome position (GRCh38, 1-based): chr18:46,089,889, G>A on the plus strand (C>T on the coding strand, the complement: ATP5F1A is on the minus strand). VCF-style: chr18-46089889-G-A. GRCh37 (hg19) VCF-style: chr18-43669855-G-A.
Other names: c.267C>T, p.Asp89= (NM_001001935.3, NM_001257335.2); c.417C>T, p.Asp139= (NM_001001937.2, NM_001257334.2).
Identifiers: ClinVar variation 773601 (VCV000773601.34), dbSNP rs371042141, ClinGen allele CA8950811.

ClinVar aggregate classification (germline): Benign/Likely benign. Review status: criteria provided, multiple submitters, no conflicts (2 of 4 stars). 5 submissions from 5 submitters: Benign (1); Likely benign (3). 1 of the submissions does not count toward it. Last evaluated 2025-10-02.

Conditions:
ATP5F1A-related disorder. Also called: ATP5F1A-related condition.

Allele frequency attached by ClinVar (database versions not stated): gnomAD exomes 0.00009 and 0.00014; TOPMed 0.00012; gnomAD 0.00016 and 0.00017; ExAC 0.00018; ESP Exome Variant Server 0.00008.
gnomAD v4.1: 149 of 1,613,748 alleles (0.0092%); highest among the groups gnomAD compares: Admixed American, 0.015%; no homozygotes.

Submissions (5):

Labcorp Genetics (formerly Invitae), Labcorp
Classification: Likely benign. Last evaluated: 2025-10-02. Review status: criteria provided, single submitter. Criteria: Invitae Variant Classification Sherloc (09022015). Collection method: clinical testing. Allele origin: germline.

CeGaT Center for Human Genetics Tuebingen
Classification: Likely benign. Last evaluated: 2023-12-01. Review status: criteria provided, single submitter. Criteria: CeGaT Center For Human Genetics Tuebingen Variant Classification Criteria Version 2. Collection method: clinical testing. Allele origin: germline. Affected: yes. Observed: 1 variant allele.
Comment: ATP5F1A: BP4, BP7

GeneDx
Classification: Benign. Last evaluated: 2015-03-03. Review status: criteria provided, single submitter. Criteria: GeneDx Variant Classification Process June 2021. Collection method: clinical testing. Allele origin: germline. Affected: yes.

Breakthrough Genomics
Classification: Likely benign. Review status: criteria provided, single submitter. Criteria: ACMG Guidelines, 2015. Collection method: not provided. Allele origin: germline. Inheritance: Autosomal recessive inheritance. Affected: yes.

PreventionGenetics, part of Exact Sciences
Classification: Likely benign for ATP5F1A-related condition. Last evaluated: 2019-07-11. Review status: no assertion criteria provided. Collection method: clinical testing. Allele origin: germline. Not counted in ClinVar's aggregate classification.
Comment: This variant is classified as likely benign based on ACMG/AMP sequence variant interpretation guidelines (Richards et al. 2015 PMID: 25741868, with internal and published modifications).